The following is an entry in ClinVar:

ClinVar aggregate classification (germline): Uncertain significance. Review status: criteria provided, multiple submitters, no conflicts (2 of 4 stars). 2 submissions from 2 submitters: Uncertain significance (2). Last evaluated 2025-12-02.

Conditions:
ZIC2-related disorder. Also called: ZIC2-related condition.
Holoprosencephaly 5 (HPE5). Identifiers: Orphanet 2162, MedGen C1864827, MONDO:0012322, OMIM 609637.

Submissions (2):

PreventionGenetics, part of Exact Sciences
Classification: Uncertain significance for ZIC2-related condition. Last evaluated: 2025-12-02. Review status: criteria provided, single submitter. Criteria: ACMG Guidelines, 2015. Collection method: clinical testing. Allele origin: germline.
Comment: The ZIC2 c.1535G>A variant is predicted to result in the amino acid substitution p.Gly512Glu. To our knowledge, this variant has not been reported in the literature or in a large population database (gnomAD), indicating this variant is rare. At this time, the clinical significance of this variant is uncertain due to the absence of conclusive functional and genetic evidence.

Labcorp Genetics (formerly Invitae), Labcorp
Classification: Uncertain significance for Holoprosencephaly 5. Last evaluated: 2025-10-25. Review status: criteria provided, single submitter. Criteria: Invitae Variant Classification Sherloc (09022015). Collection method: clinical testing. Allele origin: germline.
Comment: This sequence change replaces glycine, which is neutral and non-polar, with glutamic acid, which is acidic and polar, at codon 512 of the ZIC2 protein (p.Gly512Glu). This variant is not present in population databases (gnomAD no frequency). This variant has not been reported in the literature in individuals affected with ZIC2-related conditions. Experimental studies and prediction algorithms are not available or were not evaluated, and the functional significance of this variant is currently unknown. In summary, the available evidence is currently insufficient to determine the role of this variant in disease. Therefore, it has been classified as a Variant of Uncertain Significance.

NM_007129.5(ZIC2):c.1535G>A (p.Gly512Glu)

Gene: ZIC2 (Zic family zinc finger 2; plus strand). Cytogenetic location: 13q32.3.
Variant type: single nucleotide variant.
Coding change: c.1535G>A on transcript NM_007129.5 (MANE Select); coding-DNA position 1535, G replaced by A.
Protein change: p.Gly512Glu; replaces glycine 512 with glutamic acid.
Molecular consequence: missense variant.
Genome position (GRCh38, 1-based): chr13:99,985,618, G>A. VCF-style: chr13-99985618-G-A. GRCh37 (hg19) VCF-style: chr13-100637872-G-A.
Other names: c.1535G>A (NM_007129.3); short protein forms G512E.
Identifiers: ClinVar variation 4690500 (VCV004690500.2).
Genomic context (GRCh38, chr13:99,985,618, plus strand): 5'-GCAGCGGCAGTGGCGGGGGCGGCGGCGGGGCGGGCGGCGGGGGCGGCGGCAGCTCTGGCG[G>A]GGGCAGCGGGACAGCCGGGGGTCACAGCGGCCTCTCCTCCAACTTCAATGAATGGTACGT-3'
Protein context (NP_009060.2, residues 502-522): AGGGGGGSSG[Gly512Glu]GSGTAGGHSG